The following is an entry in ClinVar:

ClinVar aggregate classification (germline): Likely pathogenic (1 of 4 stars; one submission).

Conditions:
Chronic granulomatous disease. Identifiers: Orphanet 379, MedGen C0018203, MONDO:0018305.

Submission:

Natera, Inc.
Classification: Likely pathogenic for Chronic granulomatous disease. Last evaluated: 2025-04-18. Review status: criteria provided, single submitter. Criteria: Natera Variant Classification Schema (03/2026). Collection method: clinical testing. Allele origin: germline.
Comment: The c.316dup variant in CYBA is a frameshift variant predicted to elongate the protein beyond the termination codon. This variant is expected to result in nonsense mediated decay, truncation, or a dysfunctional protein product. This variant is rare in the general population with a frequency below the threshold expected for the associated phenotype(s). Given the available evidence, this variant is classified as Likely Pathogenic.

NM_000101.4(CYBA):c.316dup (p.Ala106fs)

Gene: CYBA (cytochrome b-245 alpha chain; minus strand). Cytogenetic location: 16q24.2.
Variant type: Duplication.
Coding change: c.316dup on transcript NM_000101.4 (MANE Select); coding-DNA position 316, one base duplicated (G; older notation c.316dupG).
Protein change: p.Ala106fs; shifts the reading frame from alanine 106.
Molecular consequence: frameshift variant.
Genome position (GRCh38, 1-based): chr16:88,646,169, C duplicated on the plus strand (G on the coding strand, the reverse complement: CYBA is on the minus strand); the first of 2 consecutive C bases (chr16:88,646,169-88,646,170); duplicating either gives the same sequence. VCF-style (leftmost placement, unchanged base first): chr16-88646168-G-GC. GRCh37 (hg19) VCF-style: chr16-88712576-G-GC.
Other names: short protein forms A106fs.
Identifiers: ClinVar variation 4065592 (VCV004065592.2).